The following is an entry in ClinVar:

NM_001009944.3(PKD1):c.9561CAA[1] (p.Asn3188del)

Gene: PKD1 (polycystin 1, transient receptor potential channel interacting; minus strand). Cytogenetic location: 16p13.3.
Variant type: Microsatellite.
Coding change: c.9561CAA[1] on transcript NM_001009944.3 (MANE Select); one copy of the 3-base unit CAA starting at c.9561; the reference has two copies in a row; one copy, 3 bases deleted; also written c.9564_9566del.
Protein change: p.Asn3188del; deletes asparagine 3188.
Molecular consequence: inframe deletion.
Genome position (GRCh38, 1-based): chr16:2,100,398-2,100,400, TTG deleted on the plus strand (CAA on the coding strand, the reverse complement: PKD1 is on the minus strand); deleting any 3 consecutive bases within chr16:2,100,398-2,100,404 gives the same sequence; the position shown is the placement nearest the transcript's 3' end. VCF-style (leftmost placement, unchanged base first): chr16-2100397-TTTG-T. GRCh37 (hg19) VCF-style: chr16-2150398-TTTG-T.
Other names: c.9561CAA[1], p.Asn3188del (NM_000296.4); c.9564_9566del (NM_001009944.3); c.9564_9566delCAA (NM_001009944.2); short protein forms N3188del.
Identifiers: ClinVar variation 225056 (VCV000225056.13), dbSNP rs869312944, ClinGen allele CA358180.

ClinVar aggregate classification (germline): Pathogenic/Likely pathogenic. Review status: criteria provided, multiple submitters, no conflicts (2 of 4 stars). 8 submissions from 8 submitters: Pathogenic (3); Likely pathogenic (5). Last evaluated 2026-05-18.

Conditions:
PKD1-related disorder. Also called: PKD1-related condition.
Autosomal dominant polycystic kidney disease. Identifiers: Orphanet 730, MedGen C0085413, MONDO:0004691.
Inborn genetic diseases. Identifiers: MedGen C0950123, MeSH D030342.
Polycystic kidney disease, adult type (PKD1). Also called: Polycystic Kidney, Autosomal Dominant; POLYCYSTIC KIDNEY DISEASE 1 WITH OR WITHOUT POLYCYSTIC LIVER DISEASE; POLYCYSTIC KIDNEY DISEASE, ADULT, TYPE I; Polycystic Kidney Disease 1, Autosomal Dominant; Polycystic kidney disease 1; Polycystic kidney disease 1, severe. Identifiers: MedGen C3149841, MONDO:0008263, OMIM 173900.

Submissions (8):

Victorian Clinical Genetics Services, Murdoch Childrens Research Institute
Classification: Pathogenic for Polycystic kidney disease, adult type. Last evaluated: 2026-05-18. Review status: criteria provided, single submitter. Criteria: ACMG Guidelines, 2015. Collection method: clinical testing. Allele origin: germline. Affected: yes.
Comment: This variant is classified as Pathogenic. Evidence in support of pathogenic classification: In-frame deletion in a non-repetitive region that has high conservation; Variant is absent from gnomAD (v2, v3 and v4); This variant has strong previous evidence of pathogenicity in unrelated individuals. This variant has been reported as pathogenic or likely pathogenic three times (ClinVar) and in five individuals with a diagnosis of autosomal dominant polycystic kidney disease (PMIDs: 22508176, 33437033, 22367170, 38674417, 12842373); Variant is located in a hotspot region or cluster of PATHOGENIC variants (DECIPHER). Additional information: This variant is heterozygous; This gene is associated with autosomal dominant disease. Polycystic kidney disease 1 (MIM#173900) is predominantly caused by monoallelic variants, with rare reports of biallelic variants causing disease (OMIM). - No published functional evidence has been identified for this variant; No comparable in-frame deletion variants have previous evidence for pathogenicity; Loss of function is a known mechanism of disease in this gene and is associated with polycystic kidney disease 1 (MIM#173900); Inheritance information for this variant is not currently available in this individual.

PreventionGenetics, part of Exact Sciences
Classification: Pathogenic for PKD1-related condition. Last evaluated: 2025-06-16. Review status: criteria provided, single submitter. Criteria: ACMG Guidelines, 2015. Collection method: clinical testing. Allele origin: germline.
Comment: The PKD1 c.9564_9566delCAA variant is predicted to result in an in-frame deletion (p.Asn3188del). To our knowledge, this variant has not been reported in a large population database (gnomAD), indicating this variant is rare. This variant has been reported in individuals with autosomal dominant polycystic kidney disease (ADPKD) (Rossetti et al. 2003. PubMed ID: 12842373; Supplementary Table 2, Pandita et al. 2019. PubMed ID: 30816285; Supplementary Table 1, Mallawaarachchi et al. 2021. PubMed ID: 33437033). Moreover, different missense substitutions at codon 3188 have been reported in individuals with ADPKD (see for example, p.Asn3188Asp and p.Asn3188Ile in Supplementary Table 1, Audrézet et al. 2016. PubMed ID: 26139440; p.Asn3188Thr in Supplementary Table S3 and S6, Hwang et al. 2016. PubMed ID: 26453610; p.Asn3188Ser in Gonzalez-Paredes et al. 2014. PubMed ID: 24907393; p.Asn3188Lys in Liu et al. 2015. PubMed ID: 26632257). The findings of missense changes indicate that codon 3188 is critical for the protein function. Therefore, an in-frame deletion of this codon is expected to result in a loss-of-function effect, which is the known disease-causing mechanism for PKD1 to ADPKD. Of note, in-frame small deletions in PKD1 have been widely reported to be pathogenic for ADPKD. This variant is interpreted as pathogenic.

GeneDx
Classification: Likely pathogenic. Last evaluated: 2024-07-05. Review status: criteria provided, single submitter. Criteria: GeneDx Variant Classification Process June 2021. Collection method: clinical testing. Allele origin: germline.
Comment: In-frame deletion of one amino acid in a non-repeat region predicted to critically alter the protein; Not observed at significant frequency in large population cohorts (gnomAD); In silico analysis supports a deleterious effect on protein structure/function; This variant is associated with the following publications: (PMID: 30816285, 28330790, 12842373, 33437033)

Fulgent Genetics
Classification: Likely pathogenic for Polycystic kidney disease, adult type. Last evaluated: 2024-05-08. Review status: criteria provided, single submitter. Criteria: ACMG Guidelines, 2015. Collection method: clinical testing. Allele origin: germline.

Blueprint Genetics
Classification: Likely pathogenic for PKD1-related disorders. Last evaluated: 2021-11-09. Review status: criteria provided, single submitter. Criteria: ACMG Guidelines, 2015. Collection method: clinical testing. Allele origin: germline. Affected: yes. Observed: 2 variant alleles.

Molecular Genetics of Inherited Kidney Disorders Laboratory, Garvan Institute of Medical Research
Classification: Likely pathogenic for Autosomal dominant polycystic kidney disease. Last evaluated: 2019-01-01. Review status: criteria provided, single submitter. Criteria: ACMG Guidelines, 2015. Collection method: research. Allele origin: germline. Affected: yes.

Ambry Genetics
Classification: Pathogenic for Inborn genetic diseases. Last evaluated: 2013-08-07. Review status: criteria provided, single submitter. Criteria: Ambry Autosomal Dominant and X-Linked criteria (10/2015). Collection method: clinical testing. Allele origin: germline. Observed: 1 variant allele.
Comment: The c.9564_9566delCAA (p.N3188del) alteration is located in coding exon 27 of the PKD1gene. This alteration results from an in-frame deletion from nucleotide position 9564 through 9566, resulting in the deletion of asperagine at codon 3188. The alteration is not observed in healthy cohorts:Based on data from the NHLBI Exome Sequencing Project (ESP), the PKD1 c.9564_9566delCAA (p.N3188del) alteration was not observed among 6,498 individuals tested (0.0%). Allele frequency data for this nucleotide position is not currently available from the 1000 Genomes Project and the alteration is not currently listed in the Database of Single Nucleotide Polymorphisms (dbSNP). The altered amino acid is conserved throughout evolution:The p.N3188 amino acid is conserved throughout vertebrates. The amino acid is located in a functionally important protein domain:The c.9564_9566delCAA (p.N3188del) alteration is located within the fhe first cytoplasmic loop in the transmembrane region of the PKD1 gene, a region which is among the highest regions of conservation in the gene (Stanford et al., 1997).The amino acid change has been observed in affected individuals:This alteration has been described in the literature (see below for details) and is observed in the HGMD database (CD034171). Based on the available evidence, the PKD1 c.9564_9566delCAA (p.N3188del) alteration is classified as a pathogenic mutation. Rosetti S, et al. (2003) Lancet 361:2196-2201.Stanford R, et al. (1997) Hum Mol Genet 6(9):1483Ã¢â‚¬â€œ1489.

Juno Genomics, Hangzhou Juno Genomics, Inc
Classification: Likely pathogenic for Polycystic kidney disease, adult type. Review status: criteria provided, single submitter. Criteria: ACMG Guidelines, 2015. Collection method: clinical testing. Allele origin: germline. Affected: yes.
Comment: Absent from controls (or at extremely low frequency if recessive) in Genome Aggregation Database, Exome Sequencing Project, 1000 Genomes Project, or Exome Aggregation Consortium.;Protein length changes due to in-frame deletions/insertions in a non-repeat region or stop-loss variants.;The prevalence of the variant in affected individuals is significantly increased compared to the prevalence in controls.;Patient's phenotype or family history is highly specific for a disease with a single genetic etiology.

Literature cited by the submitters: PubMed 22367170 (cited by Victorian Clinical Genetics Services, Murdoch Childrens Research Institute); PubMed 38674417 (cited by Victorian Clinical Genetics Services, Murdoch Childrens Research Institute); PubMed 12842373 (cited by Victorian Clinical Genetics Services, Murdoch Childrens Research Institute); PubMed 22508176 (cited by Victorian Clinical Genetics Services, Murdoch Childrens Research Institute); PubMed 33437033 (cited by Victorian Clinical Genetics Services, Murdoch Childrens Research Institute).